The following is an entry in ClinVar:

NM_001031711.3(ERGIC1):c.345C>G (p.Cys115Trp)

Gene: ERGIC1 (endoplasmic reticulum-golgi intermediate compartment 1; plus strand). Cytogenetic location: 5q35.1.
Variant type: single nucleotide variant.
Coding change: c.345C>G on transcript NM_001031711.3 (MANE Select); coding-DNA position 345, C replaced by G.
Protein change: p.Cys115Trp; replaces cysteine 115 with tryptophan.
Molecular consequence: missense variant.
Genome position (GRCh38, 1-based): chr5:172,914,808, C>G. VCF-style: chr5-172914808-C-G. GRCh37 (hg19) VCF-style: chr5-172341811-C-G.
Other names: short protein forms C115W.
Identifiers: ClinVar variation 4881125 (VCV004881125.2).
Genomic context (GRCh38, chr5:172,914,808, plus strand): 5'-GCACGAAGTGGGCCACATCGACAACTCCATGAAGATCCCGCTGAACAATGGGGCAGGCTG[C>G]CGCTTCGAGGGGCAGTTCAGCATCAACAAGGTATGGAAGCCCTGCCTCAGCCCTTTCTAC-3'
Protein context (NP_001026881.1, residues 105-125): MKIPLNNGAG[Cys115Trp]RFEGQFSINK

ClinVar aggregate classification (germline): Uncertain significance (1 of 4 stars; one submission).

Conditions:
Arthrogryposis multiplex congenita 2, neurogenic type (AMC2). Also called: AMC, NEUROGENIC TYPE; Neurogenic arthrogryposis multiplex congenita. Identifiers: Orphanet 1143, MedGen C5435650, MONDO:0008823, OMIM 208100.

Submission:

Dasa
Classification: Uncertain significance for Arthrogryposis multiplex congenita 2, neurogenic type. Last evaluated: 2026-02-16. Review status: criteria provided, single submitter. Criteria: DASA Assertion Criteria. Collection method: clinical testing. Allele origin: germline.
Comment: NM_001031711.3(ERGIC1):c.345C>G (p.Cys115Trp) is a missense variant that results in the substitution of cysteine with tryptophan. This variant is absent from population databases. Computational prediction algorithms are consistent with a deleterious effect. The currently available literature and clinical evidence are not sufficient to establish a definitive association between this variant and the reported condition. Therefore, this variant is classified as a variant of uncertain significance.